The following is an entry in ClinVar:

ClinVar aggregate classification (germline): Likely benign (1 of 4 stars; one submission).

Conditions:
Tumoral calcinosis, hyperphosphatemic, familial, 3. Identifiers: MedGen C4693864, MONDO:0060715, OMIM 617994.

Allele frequency attached by ClinVar (database versions not stated): gnomAD exomes 0.00280; gnomAD 0.01185 and 0.01271; TOPMed 0.01295; 1000 Genomes Project 0.01358; 1000 Genomes Project 30x 0.01452.
gnomAD v4.1: 2,019 of 230,442 alleles (0.88%); highest among the groups gnomAD compares: African/African-American, 4%; 42 homozygotes.

Submission:

Illumina Laboratory Services, Illumina
Classification: Likely benign for Tumoral calcinosis, hyperphosphatemic, familial, 3. Last evaluated: 2017-04-27. Review status: criteria provided, single submitter. Criteria: ICSL Variant Classification Criteria 13 December 2019. Collection method: clinical testing. Allele origin: germline.
Comment: This variant was observed as part of a predisposition screen in an ostensibly healthy population. A literature search was performed for the gene, cDNA change, and amino acid change (where applicable). No publications were found based on this search. Allele frequency data from public databases allowed determination this variant is unlikely to cause disease. Therefore, this variant is classified as likely benign.

NM_004795.4(KL):c.*510C>T

Gene: KL (klotho; plus strand). Cytogenetic location: 13q13.1.
Variant type: single nucleotide variant.
Coding change: c.*510C>T on transcript NM_004795.4 (MANE Select); 510 bases downstream of the stop codon, C replaced by T.
Molecular consequence: 3 prime UTR variant.
Genome position (GRCh38, 1-based): chr13:33,064,696, C>T. VCF-style: chr13-33064696-C-T. GRCh37 (hg19) VCF-style: chr13-33638833-C-T.
Identifiers: ClinVar variation 311716 (VCV000311716.5), dbSNP rs77813367, ClinGen allele CA10639324.
Genomic context (GRCh38, chr13:33,064,696, plus strand): 5'-GGCTTCCCCTCTGTCAAATCTAGTTTCCTATGGAAAAGAAGATGGCAGATACAGGAGAGA[C>T]GACAGAGGGTCCTAGGCTGGAATGTTCCTTTCGAAAGCAATGCTTCTATCAAATACTAGT-3'